The following is an entry in ClinVar:

ClinVar aggregate classification (germline): Uncertain significance. Review status: criteria provided, multiple submitters, no conflicts (2 of 4 stars). 2 submissions from 2 submitters: Uncertain significance (2). Last evaluated 2025-03-19.

Allele frequency attached by ClinVar (database versions not stated): ExAC 0.00001; gnomAD exomes 0.00002.
gnomAD v4.1: 31 of 1,613,320 alleles (0.0019%); highest among the groups gnomAD compares: East Asian, 0.0045%; no homozygotes.

Submissions (2):

GeneDx
Classification: Uncertain significance. Last evaluated: 2025-03-19. Review status: criteria provided, single submitter. Criteria: GeneDx Variant Classification Process June 2021. Collection method: clinical testing. Allele origin: germline.
Comment: In silico analysis indicates that this missense variant does not alter protein structure/function; Has not been previously published as pathogenic or benign to our knowledge

Labcorp Genetics (formerly Invitae), Labcorp
Classification: Uncertain significance. Last evaluated: 2022-08-09. Review status: criteria provided, single submitter. Criteria: Invitae Variant Classification Sherloc (09022015). Collection method: clinical testing. Allele origin: germline.
Comment: In summary, the available evidence is currently insufficient to determine the role of this variant in disease. Therefore, it has been classified as a Variant of Uncertain Significance. Advanced modeling of protein sequence and biophysical properties (such as structural, functional, and spatial information, amino acid conservation, physicochemical variation, residue mobility, and thermodynamic stability) performed at Invitae indicates that this missense variant is not expected to disrupt CRB2 protein function. ClinVar contains an entry for this variant (Variation ID: 998657). This variant has not been reported in the literature in individuals affected with CRB2-related conditions. This variant is present in population databases (rs779153310, gnomAD 0.02%). This sequence change replaces alanine, which is neutral and non-polar, with serine, which is neutral and polar, at codon 471 of the CRB2 protein (p.Ala471Ser).

NM_173689.7(CRB2):c.1411G>T (p.Ala471Ser)

Gene: CRB2 (crumbs cell polarity complex component 2; plus strand). Cytogenetic location: 9q33.3.
Variant type: single nucleotide variant.
Coding change: c.1411G>T on transcript NM_173689.7 (MANE Select); coding-DNA position 1411, G replaced by T.
Protein change: p.Ala471Ser; replaces alanine 471 with serine.
Molecular consequence: missense variant. On other transcripts: non-coding transcript variant (1).
Genome position (GRCh38, 1-based): chr9:123,370,464, G>T. VCF-style: chr9-123370464-G-T. GRCh37 (hg19) VCF-style: chr9-126132743-G-T.
Other names: c.1411G>T (NM_173689.6); short protein forms A471S.
Identifiers: ClinVar variation 998657 (VCV000998657.8), dbSNP rs779153310, ClinGen allele CA5231970.